The following is an entry in ClinVar:

ClinVar aggregate classification (germline): Uncertain significance (1 of 4 stars; one submission).

Conditions:
SLC4A11-related disorder. Also called: SLC4A11-related condition.

gnomAD v4.1: 66 of 1,611,218 alleles (0.0041%); highest among the groups gnomAD compares: Non-Finnish European, 0.0054%; no homozygotes.

Submission:

PreventionGenetics, part of Exact Sciences
Classification: Uncertain significance for SLC4A11-related condition. Last evaluated: 2026-07-17. Review status: criteria provided, single submitter. Criteria: ACMG Guidelines, 2015. Collection method: clinical testing. Allele origin: germline.
Comment: The SLC4A11 c.2003T>C variant is predicted to result in the amino acid substitution p.Leu668Pro. This variant was reported in the compound heterozygous state with a known pathogenic variant in an individual with corneal endothelial dystrophy (Brejchova et al. 2019. PubMed ID: 31323090). This variant is reported in 0.0036% of alleles in individuals of European (Non-Finnish) descent in gnomAD. Although we suspect that this variant may be pathogenic, at this time, the clinical significance of this variant is uncertain due to the absence of conclusive functional and genetic evidence.

NM_001174089.2(SLC4A11):c.1955T>C (p.Leu652Pro)

Gene: SLC4A11 (solute carrier family 4 member 11; minus strand). Cytogenetic location: 20p13.
Variant type: single nucleotide variant.
Coding change: c.1955T>C on transcript NM_001174089.2 (MANE Select); coding-DNA position 1955, T replaced by C.
Protein change: p.Leu652Pro; replaces leucine 652 with proline.
Molecular consequence: missense variant. On other transcripts: non-coding transcript variant (3).
Genome position (GRCh38, 1-based): chr20:3,229,158, A>G on the plus strand (T>C on the coding strand, the complement: SLC4A11 is on the minus strand). VCF-style: chr20-3229158-A-G. GRCh37 (hg19) VCF-style: chr20-3209804-A-G.
Other names: c.2084T>C, p.Leu695Pro (NM_001174090.2); c.1841T>C, p.Leu614Pro (NM_001363745.2); c.1898T>C, p.Leu633Pro (NM_001400277.1, NM_001400278.1, NM_001400279.1); c.1970T>C, p.Leu657Pro (NM_001400280.1); c.2003T>C, p.Leu668Pro (NM_032034.4); short protein forms L614P, L633P, L652P, L668P, L657P, L695P.
Identifiers: ClinVar variation 4986454 (VCV004986454.1).